The following is an entry in ClinVar:

NM_001374736.1(DST):c.5088G>A (p.Lys1696=)

Gene: DST (dystonin; minus strand). Cytogenetic location: 6p12.1.
Variant type: single nucleotide variant.
Coding change: c.5088G>A on transcript NM_001374736.1 (MANE Select); coding-DNA position 5088, G replaced by A.
Protein change: p.Lys1696=; no amino-acid change (lysine 1696 retained).
Molecular consequence: synonymous variant.
Genome position (GRCh38, 1-based): chr6:56,611,567, C>T on the plus strand (G>A on the coding strand, the complement: DST is on the minus strand). VCF-style: chr6-56611567-C-T. GRCh37 (hg19) VCF-style: chr6-56476365-C-T.
Other names: c.4989G>A, p.Lys1663= (NM_001144769.5); c.4575G>A, p.Lys1525= (NM_001144770.2); c.5088G>A, p.Lys1696= (NM_001374722.1); c.4455G>A, p.Lys1485= (NM_001374729.1, NM_001374730.1, NM_001386100.1 and 1 more transcripts); c.5115G>A, p.Lys1705= (NM_001374734.1); c.3477G>A, p.Lys1159= (NM_015548.5); c.4989G>A (NM_001144769.2).
Identifiers: ClinVar variation 1155342 (VCV001155342.10), dbSNP rs759984134, ClinGen allele CA3869806.
Genomic context (GRCh38, chr6:56,611,567, plus strand): 5'-CTTGTCTCCATGTTTTGCCAAAAAAAGCTGTATAGTTTGAAGTGCTTCCGATAATTGTTC[C>T]TTCTTGGTTGATATTTCCTCACTGGAAATCTGTAAGGTAAAGAAGGCACATTCAAACTCT-3'
Protein context (NP_001361665.1, residues 1686-1706): KISSEEISTK[Lys1696=]EQLSEALQTI

ClinVar aggregate classification (germline): Likely benign. Review status: criteria provided, multiple submitters, no conflicts (2 of 4 stars). 2 submissions from 2 submitters: Likely benign (2). Last evaluated 2025-06-06.

Conditions:
Epidermolysis bullosa simplex 3, localized or generalized intermediate, with BP230 deficiency (EBS3). Also called: Epidermolysis bullosa simplex due to BP230 deficiency; Epidermolysis bullosa simplex, autosomal recessive 2. Identifiers: Orphanet 412181, MedGen C3809470, MONDO:0014180, OMIM 615425.
Hereditary sensory and autonomic neuropathy type 6. Also called: Neuropathy, hereditary sensory and autonomic, type VI; HSAN VI. Identifiers: Orphanet 314381, MedGen C3539003, MONDO:0013839, OMIM 614653.
DST-related disorder. Also called: DST-related disorders; DST-related condition.

Allele frequency attached by ClinVar (database versions not stated): gnomAD exomes 0.00005 and 0.00002; gnomAD 0.00001; ExAC 0.00003.
gnomAD v4.1: 77 of 1,612,606 alleles (0.0048%); highest among the groups gnomAD compares: Non-Finnish European, 0.0062%; no homozygotes.

Submissions (2):

PreventionGenetics, part of Exact Sciences
Classification: Likely benign for DST-related condition. Last evaluated: 2025-06-06. Review status: criteria provided, single submitter. Criteria: ACMG Guidelines, 2015. Collection method: clinical testing. Allele origin: germline.
Comment: This variant is classified as likely benign based on ACMG/AMP sequence variant interpretation guidelines (Richards et al. 2015 PMID: 25741868, with internal and published modifications).

Labcorp Genetics (formerly Invitae), Labcorp
Classification: Likely benign for Epidermolysis bullosa simplex 3, localized or generalized intermediate, with BP230 deficiency; Hereditary sensory and autonomic neuropathy type 6. Last evaluated: 2024-10-31. Review status: criteria provided, single submitter. Criteria: Invitae Variant Classification Sherloc (09022015). Collection method: clinical testing. Allele origin: germline.